The following is an entry in ClinVar:

ClinVar aggregate classification (germline): Conflicting classifications of pathogenicity. Review status: criteria provided, conflicting classifications (1 of 4 stars). 2 submissions from 2 submitters: Uncertain significance (1); Likely benign (1). Last evaluated 2026-03-03.

Conditions:
CSGALNACT1-related disorder. Also called: CSGALNACT1-related condition.

Allele frequency attached by ClinVar (database versions not stated): ESP Exome Variant Server 0.00015; 1000 Genomes Project 30x 0.00016; 1000 Genomes Project 0.00020; gnomAD 0.00020 and 0.00029; TOPMed 0.00030; gnomAD exomes 0.00052; ExAC 0.00066.
gnomAD v4.1: 441 of 1,614,122 alleles (0.027%); highest among the groups gnomAD compares: South Asian, 0.18%; 4 homozygotes.

Submissions (2):

PreventionGenetics, part of Exact Sciences
Classification: Likely benign for CSGALNACT1-related condition. Last evaluated: 2026-03-03. Review status: criteria provided, single submitter. Criteria: ACMG Guidelines, 2015. Collection method: clinical testing. Allele origin: germline.
Comment: This variant is classified as likely benign based on ACMG/AMP sequence variant interpretation guidelines (Richards et al. 2015 PMID: 25741868, with internal and published modifications).

Labcorp Genetics (formerly Invitae), Labcorp
Classification: Uncertain significance. Last evaluated: 2022-06-13. Review status: criteria provided, single submitter. Criteria: Invitae Variant Classification Sherloc (09022015). Collection method: clinical testing. Allele origin: germline.
Comment: This sequence change replaces threonine, which is neutral and polar, with methionine, which is neutral and non-polar, at codon 467 of the CSGALNACT1 protein (p.Thr467Met). This variant is present in population databases (rs369428087, gnomAD 0.2%), and has an allele count higher than expected for a pathogenic variant. This variant has not been reported in the literature in individuals affected with CSGALNACT1-related conditions. Algorithms developed to predict the effect of missense changes on protein structure and function are either unavailable or do not agree on the potential impact of this missense change (SIFT: "Deleterious"; PolyPhen-2: "Probably Damaging"; Align-GVGD: "Class C0"). In summary, the available evidence is currently insufficient to determine the role of this variant in disease. Therefore, it has been classified as a Variant of Uncertain Significance.

NM_001354483.2(CSGALNACT1):c.1400C>T (p.Thr467Met)

Gene: CSGALNACT1 (chondroitin sulfate N-acetylgalactosaminyltransferase 1; minus strand). Cytogenetic location: 8p21.3.
Variant type: single nucleotide variant.
Coding change: c.1400C>T on transcript NM_001354483.2 (MANE Select); coding-DNA position 1400, C replaced by T.
Protein change: p.Thr467Met; replaces threonine 467 with methionine.
Molecular consequence: missense variant. On other transcripts: non-coding transcript variant (7).
Genome position (GRCh38, 1-based): chr8:19,405,979, G>A on the plus strand (C>T on the coding strand, the complement: CSGALNACT1 is on the minus strand). VCF-style: chr8-19405979-G-A. GRCh37 (hg19) VCF-style: chr8-19263490-G-A.
Other names: c.1400C>T, p.Thr467Met (NM_001354487.2, NM_001354488.2, NM_001354489.2 and 18 more transcripts); c.1400C>T (NM_001130518.1); short protein forms T467M.
Identifiers: ClinVar variation 1406290 (VCV001406290.4), dbSNP rs369428087, ClinGen allele CA4653772.
Genomic context (GRCh38, chr8:19,405,979, plus strand): 5'-GGGGTCAGCTCGTCCATGCAGCGCTTCTCATGCCAGAGGTGGAAGAGTCCTCGCACAGGC[G>A]TCCGTACCACTATGAGGTTGCTGTGGAGATACTTGCGATAAAGGTGCACATCCTCTCCGC-3'
Protein context (NP_001341412.1, residues 457-477): YLHSNLIVVR[Thr467Met]PVRGLFHLWH